The following is an entry in ClinVar:

NM_015681.6(B9D1):c.-84G>A

Gene: B9D1 (B9 domain containing 1; minus strand). Cytogenetic location: 17p11.2.
Variant type: single nucleotide variant.
Coding change: c.-84G>A on transcript NM_015681.6 (MANE Select); 84 bases upstream of the start codon, G replaced by A.
Molecular consequence: 5 prime UTR variant. On other transcripts: intron variant (1).
Genome position (GRCh38, 1-based): chr17:19,362,653, C>T on the plus strand (G>A on the coding strand, the complement: B9D1 is on the minus strand). VCF-style: chr17-19362653-C-T. GRCh37 (hg19) VCF-style: chr17-19265966-C-T.
Other names: NM_001243473.2:c.69G>A; c.-84G>A (NM_001321214.2, NM_001321215.3, NM_001321216.2 and 4 more transcripts); c.-297-2265G>A (NM_001368769.2).
Identifiers: ClinVar variation 3056193 (VCV003056193.2), dbSNP rs1029354359, ClinGen allele CA288561232.

ClinVar aggregate classification (germline): Likely benign (0 of 4 stars; one submission).

Conditions:
B9D1-related disorder. Also called: B9D1-related condition; B9D1-related disorders.

Allele frequency attached by ClinVar (database versions not stated): TOPMed below 0.00001; gnomAD exomes 0.00001.
gnomAD v4.1: 8 of 1,551,790 alleles (0.00052%); highest among the groups gnomAD compares: Middle Eastern, 0.067%; no homozygotes.

Submission:

PreventionGenetics, part of Exact Sciences
Classification: Likely benign for B9D1-related condition. Last evaluated: 2019-05-01. Review status: no assertion criteria provided. Collection method: clinical testing. Allele origin: germline.
Comment: This variant is classified as likely benign based on ACMG/AMP sequence variant interpretation guidelines (Richards et al. 2015 PMID: 25741868, with internal and published modifications).